The following is an entry in ClinVar:

NM_021098.3(CACNA1H):c.4759+4A>G

Gene: CACNA1H (calcium voltage-gated channel subunit alpha1 H; plus strand). Cytogenetic location: 16p13.3.
Variant type: single nucleotide variant.
Coding change: c.4759+4A>G on transcript NM_021098.3 (MANE Select); 4 bases into the intron after coding-DNA position 4759, A replaced by G.
Molecular consequence: intron variant.
Genome position (GRCh38, 1-based): chr16:1,212,142, A>G. VCF-style: chr16-1212142-A-G. GRCh37 (hg19) VCF-style: chr16-1262142-A-G.
Other names: c.4759+4A>G (NM_001005407.2).
Identifiers: ClinVar variation 575400 (VCV000575400.8), dbSNP rs1567543703, ClinGen allele CA891843627.

ClinVar aggregate classification (germline): Uncertain significance (1 of 4 stars; one submission).

Conditions:
Idiopathic generalized epilepsy. Also called: Generalised epilepsy; EIG. Identifiers: MedGen C0270850, MONDO:0005579, OMIM 600669.
Hyperaldosteronism, familial, type IV (HALD4). Also called: FH IV; ALDOSTERONISM, PRIMARY, AND HYPERTENSION. Identifiers: Orphanet 642671, MedGen C4310756, MONDO:0014875, OMIM 617027.

Allele frequency attached by ClinVar (database versions not stated): gnomAD exomes below 0.00001; TOPMed below 0.00001.
gnomAD v4.1: 1 of 1,601,624 alleles (0.000062%); highest among the groups gnomAD compares: Non-Finnish European, 0.000085%; no homozygotes.

Submission:

Labcorp Genetics (formerly Invitae), Labcorp
Classification: Uncertain significance for Idiopathic generalized epilepsy; Hyperaldosteronism, familial, type IV. Last evaluated: 2022-08-31. Review status: criteria provided, single submitter. Criteria: Invitae Variant Classification Sherloc (09022015). Collection method: clinical testing. Allele origin: germline.
Comment: This variant has not been reported in the literature in individuals affected with CACNA1H-related conditions. This variant is not present in population databases (gnomAD no frequency). This sequence change falls in intron 25 of the CACNA1H gene. It does not directly change the encoded amino acid sequence of the CACNA1H protein. It affects a nucleotide within the consensus splice site. Variants that disrupt the consensus splice site are a relatively common cause of aberrant splicing (PMID: 17576681, 9536098). Algorithms developed to predict the effect of sequence changes on RNA splicing suggest that this variant may disrupt the consensus splice site. ClinVar contains an entry for this variant (Variation ID: 575400). In summary, the available evidence is currently insufficient to determine the role of this variant in disease. Therefore, it has been classified as a Variant of Uncertain Significance.

Literature cited by the submitters: PubMed 17576681; PubMed 9536098.